The following is an entry in ClinVar:

ClinVar aggregate classification (germline): Pathogenic. Review status: criteria provided, multiple submitters, no conflicts (2 of 4 stars). 2 submissions from 2 submitters: Pathogenic (2). Last evaluated 2023-05-20.

Conditions:
Hereditary cancer-predisposing syndrome. Also called: Neoplastic Syndromes, Hereditary; Hereditary Cancer Syndrome; Hereditary neoplastic syndrome; Tumor predisposition. Identifiers: Orphanet 140162, MedGen C0027672, MeSH D009386, MONDO:0015356.
Cardiovascular phenotype. Identifiers: MedGen CN230736.
Neurofibromatosis, type 1 (NF1). Also called: Neurofibromatosis, type I; Peripheral type neurofibromatosis; VON RECKLINGHAUSEN DISEASE; NEUROFIBROMATOSIS, TYPE I, SOMATIC. Identifiers: Orphanet 636, MedGen C0027831, MONDO:0018975, OMIM 162200. Disease mechanism: loss of function.

Submissions (2):

Neuberg Centre For Genomic Medicine, NCGM
Classification: Pathogenic for Neurofibromatosis, type 1. Last evaluated: 2023-05-20. Review status: criteria provided, single submitter. Criteria: ACMG Guidelines, 2015. Collection method: clinical testing. Allele origin: germline. Inheritance: Autosomal dominant inheritance. Affected: yes.
Comment: The stop gained c.5737A>T (p.Lys1913Ter) variant in the NF1 gene has not been reported previously as a pathogenic variant nor as a benign variant, to our knowledge. This variant is novel in the gnomAD Exomes and 1000 Genomes. It is submitted to ClinVar as Pathogenic. However, no details are available for independent assessment. This variant is predicted to cause loss of normal protein function either through protein truncation or nonsense-mediated mRNA decay. Computational evidence (MutationTaster - Disease causing) predicts damaging effect on protein structure and function for this variant. The nucleotide change c.5737A>T in NF1 is predicted as conserved by GERP++ and PhyloP across 100 vertebrates. Loss of function variants have been previously reported to be disease causing.Further studies are required to prove the pathogenicity of the variant. For these reasons, this variant has been classified as Likely Pathogenic.

Ambry Genetics
Classification: Pathogenic for Cardiovascular phenotype; Hereditary cancer-predisposing syndrome. Last evaluated: 2018-06-13. Review status: criteria provided, single submitter. Criteria: Ambry Variant Classification Scheme 2023. Collection method: clinical testing. Allele origin: germline.
Comment: The p.K1892* pathogenic mutation (also known as c.5674A>T), located in coding exon 38 of the NF1 gene, results from an A to T substitution at nucleotide position 5674. This changes the amino acid from a lysine to a stop codon within coding exon 38. This alteration is expected to result in loss of function by premature protein truncation or nonsense-mediated mRNA decay. As such, this alteration is interpreted as a disease-causing mutation.

NM_001042492.3(NF1):c.5737A>T (p.Lys1913Ter)

Gene: NF1 (neurofibromin 1; plus strand). Cytogenetic location: 17q11.2.
Variant type: single nucleotide variant.
Coding change: c.5737A>T on transcript NM_001042492.3 (MANE Select); coding-DNA position 5737, A replaced by T.
Protein change: p.Lys1913Ter; replaces lysine 1913 with a stop codon.
Molecular consequence: nonsense.
Genome position (GRCh38, 1-based): chr17:31,330,423, A>T. VCF-style: chr17-31330423-A-T. GRCh37 (hg19) VCF-style: chr17-29657441-A-T.
Other names: c.5674A>T, p.Lys1892Ter (NM_000267.4); short protein forms K1892*, K1913*.
Identifiers: ClinVar variation 825886 (VCV000825886.5), dbSNP rs1597834842, ClinGen allele CA399010366.